The following is an entry in ClinVar:

ClinVar aggregate classification (germline): Conflicting classifications of pathogenicity. Review status: criteria provided, conflicting classifications (1 of 4 stars). 4 submissions from 4 submitters: Pathogenic (1); Likely pathogenic (1); Uncertain significance (2). Last evaluated 2026-03-10.

Conditions:
Inborn genetic diseases. Identifiers: MedGen C0950123, MeSH D030342.
Alport syndrome. Also called: Hemorrhagic familial nephritis; Hemorrhagic hereditary nephritis; Congenital hereditary hematuria. Identifiers: Orphanet 63, MedGen C1567741, MONDO:0018965.
COL4A4-related disorder.

Submissions (4):

Ambry Genetics
Classification: Uncertain significance for Inborn genetic diseases. Last evaluated: 2026-03-10. Review status: criteria provided, single submitter. Criteria: Ambry Variant Classification Scheme 2023. Collection method: clinical testing. Allele origin: germline.

Natera, Inc.
Classification: Likely pathogenic for Alport syndrome. Last evaluated: 2025-08-29. Review status: criteria provided, single submitter. Criteria: Natera Variant Classification Schema (03/2026). Collection method: clinical testing. Allele origin: germline.
Comment: The c.2438G>A variant in COL4A4 is a missense variant predicted to cause substitution of glycine to glutamic acid at amino acid 813. This variant is rare in the general population with a frequency below the threshold expected for the associated phenotype(s). This variant is located in a functionally critical region of the protein. Computational prediction algorithms indicate this variant is likely to affect gene or protein function. Given the available evidence, this variant is classified as Likely Pathogenic.

Labcorp Genetics (formerly Invitae), Labcorp
Classification: Pathogenic. Last evaluated: 2024-04-10. Review status: criteria provided, single submitter. Criteria: Invitae Variant Classification Sherloc (09022015). Collection method: clinical testing. Allele origin: germline.
Comment: This sequence change replaces glycine, which is neutral and non-polar, with glutamic acid, which is acidic and polar, at codon 813 of the COL4A4 protein (p.Gly813Glu). This variant is not present in population databases (gnomAD no frequency). This missense change has been observed in individual(s) with clinical features of Alport syndrome (Invitae). In at least one individual the data is consistent with being in trans (on the opposite chromosome) from a pathogenic variant. ClinVar contains an entry for this variant (Variation ID: 1502772). Advanced modeling of protein sequence and biophysical properties (such as structural, functional, and spatial information, amino acid conservation, physicochemical variation, residue mobility, and thermodynamic stability) performed at Invitae indicates that this missense variant is expected to disrupt COL4A4 protein function with a positive predictive value of 95%. For these reasons, this variant has been classified as Pathogenic.

PreventionGenetics, part of Exact Sciences
Classification: Uncertain significance for COL4A4-related condition. Last evaluated: 2022-11-15. Review status: criteria provided, single submitter. Criteria: ACMG Guidelines, 2015. Collection method: clinical testing. Allele origin: germline.
Comment: The COL4A4 c.2438G>A variant is predicted to result in the amino acid substitution p.Gly813Glu. This variant affects a Gly residue of the conserved triple helical domain (residues 65 – 1459) of the COL4A4 protein. The majority of pathogenic variants in COL4A4 substitute a glycine residue to a bulkier amino acid in the triple-helical domain (Hudson et al. 1993. PubMed ID: 8253711).To our knowledge, this variant has not been reported in the literature or in a large population database, indicating this variant is rare. Although we suspect that this variant may be pathogenic, at this time, the clinical significance of this variant is uncertain due to the absence of conclusive functional and genetic evidence.

NM_000092.5(COL4A4):c.2438G>A (p.Gly813Glu)

Gene: COL4A4 (collagen type IV alpha 4 chain; minus strand). Cytogenetic location: 2q36.3.
Variant type: single nucleotide variant.
Coding change: c.2438G>A on transcript NM_000092.5 (MANE Select); coding-DNA position 2438, G replaced by A.
Protein change: p.Gly813Glu; replaces glycine 813 with glutamic acid.
Molecular consequence: missense variant.
Genome position (GRCh38, 1-based): chr2:227,057,546, C>T on the plus strand (G>A on the coding strand, the complement: COL4A4 is on the minus strand). VCF-style: chr2-227057546-C-T. GRCh37 (hg19) VCF-style: chr2-227922262-C-T.
Other names: c.2438G>A (NM_000092.4); short protein forms G813E.
Identifiers: ClinVar variation 1502772 (VCV001502772.10), dbSNP rs2150251009, ClinGen allele CA350841381.